The following is an entry in ClinVar:

NM_012330.4(KAT6B):c.4062_4070del (p.Glu1366_Glu1368del)

Gene: KAT6B (lysine acetyltransferase 6B; plus strand). Cytogenetic location: 10q22.2.
Variant type: Deletion.
Coding change: c.4062_4070del on transcript NM_012330.4 (MANE Select); coding-DNA positions 4062 to 4070, 9 bases deleted (AGAGGAGGA; older notation c.4062_4070delAGAGGAGGA).
Protein change: p.Glu1366_Glu1368del.
Molecular consequence: inframe deletion.
Genome position (GRCh38, 1-based): chr10:75,028,886-75,028,894, AGAGGAGGA deleted; deleting any 9 consecutive bases within chr10:75,028,881-75,028,894 gives the same sequence; the c. name uses the placement nearest the transcript's 3' end. VCF-style (leftmost placement, unchanged base first): chr10-75028880-AGAGGAAGAG-A. GRCh37 (hg19) VCF-style: chr10-76788638-AGAGGAAGAG-A.
Other names: c.3513_3521del, p.Glu1183_Glu1185del (NM_001256468.2, NM_001370138.1); c.3186_3194del, p.Glu1074_Glu1076del (NM_001256469.2, NM_001370139.1, NM_001370140.1 and 2 more transcripts); c.3024_3032del, p.Glu1020_Glu1022del (NM_001370132.1); c.2373_2381del, p.Glu803_Glu805del (NM_001370133.1); c.1977_1985del, p.Glu671_Glu673del (NM_001370134.1); c.1719_1727del, p.Glu585_Glu587del (NM_001370135.1); c.4062_4070del, p.Glu1366_Glu1368del (NM_001370136.1, NM_001370137.1); c.2997_3005del, p.Glu1011_Glu1013del (NM_001370143.1, NM_001370144.1).
Identifiers: ClinVar variation 2640605 (VCV002640605.24), dbSNP rs1215408519, ClinGen allele CA594709540.

ClinVar aggregate classification (germline): Uncertain significance (1 of 4 stars; one submission).

Submission:

CeGaT Center for Human Genetics Tuebingen
Classification: Uncertain significance. Last evaluated: 2022-04-01. Review status: criteria provided, single submitter. Criteria: CeGaT Center For Human Genetics Tuebingen Variant Classification Criteria Version 2. Collection method: clinical testing. Allele origin: germline. Affected: yes. Observed: 1 variant allele.
Comment: KAT6B: PM2, PM4